The following is an entry in ClinVar:

ClinVar aggregate classification (germline): Uncertain significance. Review status: criteria provided, multiple submitters, no conflicts (2 of 4 stars). 2 submissions from 2 submitters: Uncertain significance (2). Last evaluated 2025-12-21.

Conditions:
Hereditary cancer-predisposing syndrome. Also called: Tumor predisposition; Neoplastic Syndromes, Hereditary; Hereditary neoplastic syndrome; Hereditary Cancer Syndrome. Identifiers: Orphanet 140162, MedGen C0027672, MeSH D009386, MONDO:0015356.

Allele frequency attached by ClinVar (database versions not stated): gnomAD 0.00001.
gnomAD v4.1: 1 of 1,613,804 alleles (0.000062%); highest among the groups gnomAD compares: African/African-American, 0.0013%; no homozygotes.

Submissions (2):

Labcorp Genetics (formerly Invitae), Labcorp
Classification: Uncertain significance. Last evaluated: 2025-12-21. Review status: criteria provided, single submitter. Criteria: Invitae Variant Classification Sherloc (09022015). Collection method: clinical testing. Allele origin: germline.
Comment: This sequence change replaces valine, which is neutral and non-polar, with methionine, which is neutral and non-polar, at codon 825 of the MSH3 protein (p.Val825Met). This variant is present in population databases (no rsID available, gnomAD 0.01%). This variant has not been reported in the literature in individuals affected with MSH3-related conditions. ClinVar contains an entry for this variant (Variation ID: 1017567). An algorithm developed to predict the effect of missense changes on protein structure and function (PolyPhen-2) suggests that this variant is likely to be disruptive. In summary, the available evidence is currently insufficient to determine the role of this variant in disease. Therefore, it has been classified as a Variant of Uncertain Significance.

Ambry Genetics
Classification: Uncertain significance for Hereditary cancer-predisposing syndrome. Last evaluated: 2024-05-21. Review status: criteria provided, single submitter. Criteria: Ambry Variant Classification Scheme 2023. Collection method: clinical testing. Allele origin: germline.
Comment: The p.V825M variant (also known as c.2473G>A), located in coding exon 18 of the MSH3 gene, results from a G to A substitution at nucleotide position 2473. The valine at codon 825 is replaced by methionine, an amino acid with highly similar properties. This amino acid position is conserved. In addition, the in silico prediction for this alteration is inconclusive. Since supporting evidence is limited at this time, the clinical significance of this alteration remains unclear.

NM_002439.5(MSH3):c.2473G>A (p.Val825Met)

Gene: MSH3 (mutS homolog 3; plus strand). Cytogenetic location: 5q14.1.
Variant type: single nucleotide variant.
Coding change: c.2473G>A on transcript NM_002439.5 (MANE Select); coding-DNA position 2473, G replaced by A.
Protein change: p.Val825Met; replaces valine 825 with methionine.
Molecular consequence: missense variant.
Genome position (GRCh38, 1-based): chr5:80,787,602, G>A. VCF-style: chr5-80787602-G-A. GRCh37 (hg19) VCF-style: chr5-80083421-G-A.
Other names: short protein forms V825M.
Identifiers: ClinVar variation 1017567 (VCV001017567.12), dbSNP rs1217678820, ClinGen allele CA360283132.